The following is an entry in ClinVar:

ClinVar aggregate classification (germline): Uncertain significance. Review status: criteria provided, multiple submitters, no conflicts (2 of 4 stars). 2 submissions from 2 submitters: Uncertain significance (2). Last evaluated 2026-03-03.

Conditions:
ALMS1-related disorder. Also called: ALMS1-related condition.
Alstrom syndrome (ALMS). Identifiers: Orphanet 64, MedGen C0268425, MONDO:0008763, OMIM 203800.

Submissions (2):

PreventionGenetics, part of Exact Sciences
Classification: Uncertain significance for ALMS1-related condition. Last evaluated: 2026-03-03. Review status: criteria provided, single submitter. Criteria: ACMG Guidelines, 2015. Collection method: clinical testing. Allele origin: germline.
Comment: The ALMS1 c.5701G>A variant is predicted to result in the amino acid substitution p.Ala1901Thr. To our knowledge, this variant has not been reported in the literature. This variant is reported in 0.00089% of alleles in individuals of European (Non-Finnish) descent in gnomAD. At this time, the clinical significance of this variant is uncertain due to the absence of conclusive functional and genetic evidence.

Labcorp Genetics (formerly Invitae), Labcorp
Classification: Uncertain significance for Alstrom syndrome. Last evaluated: 2024-01-02. Review status: criteria provided, single submitter. Criteria: Invitae Variant Classification Sherloc (09022015). Collection method: clinical testing. Allele origin: germline.
Comment: This sequence change replaces glutamic acid, which is acidic and polar, with lysine, which is basic and polar, at codon 1901 of the ALMS1 protein (p.Glu1901Lys). This variant is not present in population databases (gnomAD no frequency). This variant has not been reported in the literature in individuals affected with ALMS1-related conditions. ClinVar contains an entry for this variant (Variation ID: 1956545). Experimental studies and prediction algorithms are not available or were not evaluated, and the functional significance of this variant is currently unknown. In summary, the available evidence is currently insufficient to determine the role of this variant in disease. Therefore, it has been classified as a Variant of Uncertain Significance.

NM_001378454.1(ALMS1):c.5698G>A (p.Glu1900Lys)

Gene: ALMS1 (ALMS1 centrosome and basal body associated protein; plus strand). Cytogenetic location: 2p13.1.
Variant type: single nucleotide variant.
Coding change: c.5698G>A on transcript NM_001378454.1 (MANE Select); coding-DNA position 5698, G replaced by A.
Protein change: p.Glu1900Lys; replaces glutamic acid 1900 with lysine.
Molecular consequence: missense variant.
Genome position (GRCh38, 1-based): chr2:73,452,225, G>A. VCF-style: chr2-73452225-G-A. GRCh37 (hg19) VCF-style: chr2-73679352-G-A.
Other names: c.5701G>A, p.Glu1901Lys (NM_015120.4); short protein forms E1901K, E1900K.
Identifiers: ClinVar variation 1956545 (VCV001956545.4), dbSNP rs2466106212, ClinGen allele CA347283008.